The following is an entry in ClinVar:

NM_024757.5(EHMT1):c.3087G>A (p.Val1029=)

Gene: EHMT1 (euchromatic histone lysine methyltransferase 1; plus strand). Cytogenetic location: 9q34.3.
Variant type: single nucleotide variant.
Coding change: c.3087G>A on transcript NM_024757.5 (MANE Select); coding-DNA position 3087, G replaced by A.
Protein change: p.Val1029=; no amino-acid change (valine 1029 retained).
Molecular consequence: synonymous variant.
Genome position (GRCh38, 1-based): chr9:137,813,437, G>A. VCF-style: chr9-137813437-G-A. GRCh37 (hg19) VCF-style: chr9-140707889-G-A.
Other names: c.3066G>A, p.Val1022= (NM_001354263.2).
Identifiers: ClinVar variation 128979 (VCV000128979.24), dbSNP rs11137244, ClinGen allele CA152702.

ClinVar aggregate classification (germline): Benign. Review status: criteria provided, multiple submitters, no conflicts (2 of 4 stars). 5 submissions from 5 submitters: Benign (4). 1 of the submissions does not count toward it. Last evaluated 2026-02-03.

Conditions:
Inborn genetic diseases. Identifiers: MedGen C0950123, MeSH D030342.
Kleefstra syndrome 1 (KLEFS1). Identifiers: Orphanet 261494, MedGen C0795833, MONDO:0027407, OMIM 610253.

Allele frequency attached by ClinVar (database versions not stated): gnomAD exomes 0.00557 and 0.01283; 1000 Genomes Project 0.05411; ESP Exome Variant Server 0.05082; ExAC 0.01557; gnomAD 0.04812 and 0.04509; TOPMed 0.05132; 1000 Genomes Project 30x 0.05840.
gnomAD v4.1: 15,438 of 1,613,706 alleles (0.96%); highest among the groups gnomAD compares: African/African-American, 15%; 963 homozygotes.

Submissions (5):

Labcorp Genetics (formerly Invitae), Labcorp
Classification: Benign for Kleefstra syndrome 1. Last evaluated: 2026-02-03. Review status: criteria provided, single submitter. Criteria: Invitae Variant Classification Sherloc (09022015). Collection method: clinical testing. Allele origin: germline.

GeneDx
Classification: Benign. Last evaluated: 2018-07-15. Review status: criteria provided, single submitter. Criteria: GeneDx Variant Classification Process June 2021. Collection method: clinical testing. Allele origin: germline. Affected: yes.

Ambry Genetics
Classification: Benign for Inborn genetic diseases. Last evaluated: 2016-04-15. Review status: criteria provided, single submitter. Criteria: Ambry Variant Classification Scheme 2023. Collection method: clinical testing. Allele origin: germline.

Breakthrough Genomics
Classification: Benign. Review status: criteria provided, single submitter. Criteria: ACMG Guidelines, 2015. Collection method: not provided. Allele origin: germline. Inheritance: Autosomal dominant inheritance. Affected: yes.

Genetic Services Laboratory, University of Chicago
Classification: Likely benign for AllHighlyPenetrant. Review status: no assertion criteria provided. Collection method: clinical testing. Allele origin: germline. Inheritance: Autosomal dominant inheritance. Not counted in ClinVar's aggregate classification.
Comment: Likely benign based on allele frequency in 1000 Genomes Project or ESP global frequency and its presence in a patient with a rare or unrelated disease phenotype. NOT Sanger confirmed.